The following is an entry in ClinVar:

NM_015135.3(NUP205):c.3616C>T (p.Arg1206Trp)

Gene: NUP205 (nucleoporin 205; plus strand). Cytogenetic location: 7q33.
Variant type: single nucleotide variant.
Coding change: c.3616C>T on transcript NM_015135.3 (MANE Select); coding-DNA position 3616, C replaced by T.
Protein change: p.Arg1206Trp; replaces arginine 1206 with tryptophan.
Molecular consequence: missense variant.
Genome position (GRCh38, 1-based): chr7:135,617,173, C>T. VCF-style: chr7-135617173-C-T. GRCh37 (hg19) VCF-style: chr7-135301921-C-T.
Other names: c.2542C>T, p.Arg848Trp (NM_001329434.2); c.3616C>T (NM_015135.2); short protein forms R1206W, R848W.
Identifiers: ClinVar variation 2198633 (VCV002198633.5), dbSNP rs749986494, ClinGen allele CA4498663.

ClinVar aggregate classification (germline): Uncertain significance. Review status: criteria provided, multiple submitters, no conflicts (2 of 4 stars). 2 submissions from 2 submitters: Uncertain significance (2). Last evaluated 2025-02-18.

Allele frequency attached by ClinVar (database versions not stated): ExAC 0.00001; TOPMed 0.00001; gnomAD 0.00003.
gnomAD v4.1: 24 of 1,613,460 alleles (0.0015%); highest among the groups gnomAD compares: Middle Eastern, 0.016%; no homozygotes.

Submissions (2):

Ambry Genetics
Classification: Uncertain significance. Last evaluated: 2025-02-18. Review status: criteria provided, single submitter. Criteria: Ambry Variant Classification Scheme 2023. Collection method: clinical testing. Allele origin: germline.

Labcorp Genetics (formerly Invitae), Labcorp
Classification: Uncertain significance. Last evaluated: 2022-04-12. Review status: criteria provided, single submitter. Criteria: Invitae Variant Classification Sherloc (09022015). Collection method: clinical testing. Allele origin: germline.
Comment: In summary, the available evidence is currently insufficient to determine the role of this variant in disease. Therefore, it has been classified as a Variant of Uncertain Significance. Algorithms developed to predict the effect of missense changes on protein structure and function are either unavailable or do not agree on the potential impact of this missense change (SIFT: "Deleterious"; PolyPhen-2: "Benign"; Align-GVGD: "Class C0"). This variant has not been reported in the literature in individuals affected with NUP205-related conditions. This variant is present in population databases (rs749986494, gnomAD 0.005%). This sequence change replaces arginine, which is basic and polar, with tryptophan, which is neutral and slightly polar, at codon 1206 of the NUP205 protein (p.Arg1206Trp).